The following is an entry in ClinVar:

NM_024408.4(NOTCH2):c.3230C>T (p.Thr1077Ile)

Gene: NOTCH2 (notch receptor 2; minus strand). Cytogenetic location: 1p12.
Variant type: single nucleotide variant.
Coding change: c.3230C>T on transcript NM_024408.4 (MANE Select); coding-DNA position 3230, C replaced by T.
Protein change: p.Thr1077Ile; replaces threonine 1077 with isoleucine.
Molecular consequence: missense variant.
Genome position (GRCh38, 1-based): chr1:119,937,964, G>A on the plus strand (C>T on the coding strand, the complement: NOTCH2 is on the minus strand). VCF-style: chr1-119937964-G-A. GRCh37 (hg19) VCF-style: chr1-120480587-G-A.
Other names: c.3230C>T, p.Thr1077Ile (NM_001200001.2); short protein forms T1077I.
Identifiers: ClinVar variation 3586966 (VCV003586966.2).

ClinVar aggregate classification (germline): Uncertain significance. Review status: criteria provided, multiple submitters, no conflicts (2 of 4 stars). 2 submissions from 2 submitters: Uncertain significance (2). Last evaluated 2026-01-11.

Conditions:
Hajdu-Cheney syndrome (HJCYS). Also called: Acroosteolysis dominant type; ACROOSTEOLYSIS WITH OSTEOPOROSIS AND CHANGES IN SKULL AND MANDIBLE; SERPENTINE FIBULA-POLYCYSTIC KIDNEY SYNDROME. Identifiers: Orphanet 955, MedGen C0917715, MONDO:0007057, OMIM 102500.
Alagille syndrome due to a NOTCH2 point mutation. Also called: Alagille syndrome 2. Identifiers: Orphanet 261629, Orphanet 52, MedGen C1857761, MONDO:0012439, OMIM 610205.

gnomAD v4.1: 3 of 1,614,168 alleles (0.00019%); highest among the groups gnomAD compares: Non-Finnish European, 0.00025%; no homozygotes.

Submissions (2):

Labcorp Genetics (formerly Invitae), Labcorp
Classification: Uncertain significance for Hajdu-Cheney syndrome. Last evaluated: 2026-01-11. Review status: criteria provided, single submitter. Criteria: Invitae Variant Classification Sherloc (09022015). Collection method: clinical testing. Allele origin: germline.
Comment: This sequence change replaces threonine, which is neutral and polar, with isoleucine, which is neutral and non-polar, at codon 1077 of the NOTCH2 protein (p.Thr1077Ile). This variant is not present in population databases (gnomAD no frequency). This variant has not been reported in the literature in individuals affected with NOTCH2-related conditions. ClinVar contains an entry for this variant (Variation ID: 3586966). Invitae Evidence Modeling of protein sequence and biophysical properties (such as structural, functional, and spatial information, amino acid conservation, physicochemical variation, residue mobility, and thermodynamic stability) indicates that this missense variant is not expected to disrupt NOTCH2 protein function with a negative predictive value of 80%. In summary, the available evidence is currently insufficient to determine the role of this variant in disease. Therefore, it has been classified as a Variant of Uncertain Significance.

Fulgent Genetics
Classification: Uncertain significance for Hajdu-Cheney syndrome; Alagille syndrome due to a NOTCH2 point mutation. Last evaluated: 2024-04-10. Review status: criteria provided, single submitter. Criteria: ACMG Guidelines, 2015. Collection method: clinical testing. Allele origin: germline.